The following is an entry in ClinVar:

NM_033056.4(PCDH15):c.5286T>A (p.Pro1762=)

Gene: PCDH15 (protocadherin related 15; minus strand). Cytogenetic location: 10q21.1.
Variant type: single nucleotide variant.
Coding change: c.5286T>A on transcript NM_033056.4 (MANE Plus Clinical); coding-DNA position 5286, T replaced by A.
Protein change: p.Pro1762=; no amino-acid change (proline 1762 retained).
Molecular consequence: synonymous variant. On other transcripts: intron variant (8).
Genome position (GRCh38, 1-based): chr10:53,822,440, A>T on the plus strand (T>A on the coding strand, the complement: PCDH15 is on the minus strand). VCF-style: chr10-53822440-A-T. GRCh37 (hg19) VCF-style: chr10-55582200-A-T.
Other names: p.Pro1762=; c.4388+2696T>A (NM_001142771.2); c.4373+2696T>A (NM_001142770.3, NM_001142772.2); c.4388+4953T>A (NM_001354411.2); c.4409+2696T>A (NM_001142769.3); c.5307T>A, p.Pro1769= (NM_001142763.2); c.5292T>A, p.Pro1764= (NM_001142764.2); c.5079T>A, p.Pro1693= (NM_001142765.2); and 8 more.
Identifiers: ClinVar variation 46492 (VCV000046492.29), dbSNP rs58461416, ClinGen allele CA138457.
Genomic context (GRCh38, chr10:53,822,440, plus strand): 5'-AGAGGGAGGAGGACAAAAAAGAGAAAAAGGAGAAATGTCAGGAGGAGGAGCAAGAGGAGC[A>T]GGAGCAGGAGGAGGAGAAGGAGGAGAAATAGGAGGAGGAGGGGGAAGGGGACAGGCAGAA-3'
Protein context (NP_149045.3, residues 1752-1772): PISPPSPPPA[Pro1762=]APLAPPPDIS

ClinVar aggregate classification (germline): Benign. Review status: criteria provided, multiple submitters, no conflicts (2 of 4 stars). 10 submissions from 10 submitters: Benign (9). 1 of the submissions does not count toward it. Last evaluated 2026-02-04.

Conditions:
Usher syndrome type 1 (USH1). Also called: RETINITIS PIGMENTOSA AND CONGENITAL DEAFNESS. Identifiers: Orphanet 231169, Orphanet 886, MedGen C1568247, MONDO:0010168, OMIM 276900.
Usher syndrome type 1F (USH1F). Also called: USHER SYNDROME, TYPE IF. Identifiers: Orphanet 231169, Orphanet 886, MedGen C1865885, MONDO:0011186, OMIM 602083.

Allele frequency attached by ClinVar (database versions not stated): gnomAD 0.00300 and 0.00220; TOPMed 0.00365; ExAC 0.00831; 1000 Genomes Project 0.01837; gnomAD exomes 0.00185 and 0.00655; ESP Exome Variant Server 0.00015.
gnomAD v4.1: 3,318 of 1,592,162 alleles (0.21%); highest among the groups gnomAD compares: East Asian, 6.5%; 110 homozygotes.

Submissions (12):

Labcorp Genetics (formerly Invitae), Labcorp
Classification: Benign. Last evaluated: 2026-02-04. Review status: criteria provided, single submitter. Criteria: Invitae Variant Classification Sherloc (09022015). Collection method: clinical testing. Allele origin: germline.

Mayo Clinic Laboratories, Mayo Clinic
Classification: Benign. Last evaluated: 2022-04-17. Review status: criteria provided, single submitter. Criteria: ACMG Guidelines, 2015. Collection method: clinical testing. Allele origin: germline. Observed: 2 variant alleles.

ARUP Laboratories, Molecular Genetics and Genomics, ARUP Laboratories
Classification: Benign. Last evaluated: 2022-02-28. Review status: criteria provided, single submitter. Criteria: ARUP Molecular Germline Variant Investigation Process 2021. Collection method: clinical testing. Allele origin: germline.

Athena Diagnostics
Classification: Benign. Last evaluated: 2019-10-28. Review status: criteria provided, single submitter. Criteria: Athena Diagnostics Criteria. Collection method: clinical testing. Allele origin: unknown.

Illumina Laboratory Services, Illumina
Classification: Benign for Usher syndrome type 1. Last evaluated: 2018-01-12. Review status: criteria provided, single submitter. Criteria: ICSL Variant Classification Criteria 13 December 2019. Collection method: clinical testing. Allele origin: germline.
Comment: This variant was observed in the ICSL laboratory as part of a predisposition screen in an ostensibly healthy population. It had not been previously curated by ICSL or reported in the Human Gene Mutation Database (HGMD: prior to June 1st, 2018), and was therefore a candidate for classification through an automated scoring system. Utilizing variant allele frequency, disease prevalence and penetrance estimates, and inheritance mode, an automated score was calculated to assess if this variant is too frequent to cause the disease. Based on the score and internal cut-off values, a variant classified as benign is not then subjected to further curation. The score for this variant resulted in a classification of benign for this disease.

GeneDx
Classification: Benign. Last evaluated: 2017-09-20. Review status: criteria provided, single submitter. Criteria: GeneDx Variant Classification (06012015). Collection method: clinical testing. Allele origin: germline. Affected: yes.
Comment: This variant is considered likely benign or benign based on one or more of the following criteria: it is a conservative change, it occurs at a poorly conserved position in the protein, it is predicted to be benign by multiple in silico algorithms, and/or has population frequency not consistent with disease.

Eurofins Ntd Llc (ga)
Classification: Benign. Last evaluated: 2015-04-13. Review status: criteria provided, single submitter. Criteria: EGL Classification Definitions 2015. Collection method: clinical testing. Allele origin: germline. Observed: 1 variant allele, 1 heterozygote.

Laboratory for Molecular Medicine, Mass General Brigham Personalized Medicine
Classification: Benign. Last evaluated: 2010-07-25. Review status: criteria provided, single submitter. Criteria: LMM Criteria. Collection method: clinical testing. Allele origin: germline. Observed: 19 variant alleles.

Breakthrough Genomics
Classification: Benign. Review status: criteria provided, single submitter. Criteria: ACMG Guidelines, 2015. Collection method: not provided. Allele origin: germline. Inheritance: Autosomal recessive inheritance. Affected: yes.

Natera, Inc.
Classification: Benign for Usher syndrome type 1F. Last evaluated: 2020-09-16. Review status: no assertion criteria provided. Collection method: clinical testing. Allele origin: germline. Not counted in ClinVar's aggregate classification.

Dr. Peter K. Rogan Lab, Western University
No classification provided (evidence only). Condition: Gastric cancer. Review status: no classification provided. Collection method: in vitro. Allele origin: not applicable. Functional consequence: retained intron. Not counted in ClinVar's aggregate classification.

Dr. Peter K. Rogan Lab, Western University
No classification provided (evidence only). Condition: Malignant tumor of esophagus. Review status: no classification provided. Collection method: in vitro. Allele origin: not applicable. Functional consequence: retained intron. Not counted in ClinVar's aggregate classification.